The following is an entry in ClinVar:

NM_001013838.3(CARMIL2):c.3254G>A (p.Gly1085Glu)

Gene: CARMIL2 (capping protein regulator and myosin 1 linker 2; plus strand). Cytogenetic location: 16q22.1.
Variant type: single nucleotide variant.
Coding change: c.3254G>A on transcript NM_001013838.3 (MANE Select); coding-DNA position 3254, G replaced by A.
Protein change: p.Gly1085Glu; replaces glycine 1085 with glutamic acid.
Molecular consequence: missense variant.
Genome position (GRCh38, 1-based): chr16:67,654,364, G>A. VCF-style: chr16-67654364-G-A. GRCh37 (hg19) VCF-style: chr16-67688267-G-A.
Other names: c.3146G>A, p.Gly1049Glu (NM_001317026.3); short protein forms G1049E, G1085E.
Identifiers: ClinVar variation 1381344 (VCV001381344.4), dbSNP rs367703670, ClinGen allele CA8113979.

ClinVar aggregate classification (germline): Uncertain significance (1 of 4 stars; one submission).

Allele frequency attached by ClinVar (database versions not stated): gnomAD exomes 0.00002 and 0.00005; ExAC 0.00007; ESP Exome Variant Server 0.00008; gnomAD 0.00015 and 0.00016; 1000 Genomes Project 30x 0.00016; 1000 Genomes Project 0.00020; TOPMed 0.00022.
gnomAD v4.1: 56 of 1,602,954 alleles (0.0035%); highest among the groups gnomAD compares: African/African-American, 0.061%; no homozygotes.

Submission:

Labcorp Genetics (formerly Invitae), Labcorp
Classification: Uncertain significance. Last evaluated: 2024-09-05. Review status: criteria provided, single submitter. Criteria: Invitae Variant Classification Sherloc (09022015). Collection method: clinical testing. Allele origin: germline.
Comment: This sequence change replaces glycine, which is neutral and non-polar, with glutamic acid, which is acidic and polar, at codon 1085 of the CARMIL2 protein (p.Gly1085Glu). This variant is present in population databases (rs367703670, gnomAD 0.04%). This variant has not been reported in the literature in individuals affected with CARMIL2-related conditions. ClinVar contains an entry for this variant (Variation ID: 1381344). Invitae Evidence Modeling of protein sequence and biophysical properties (such as structural, functional, and spatial information, amino acid conservation, physicochemical variation, residue mobility, and thermodynamic stability) indicates that this missense variant is not expected to disrupt CARMIL2 protein function with a negative predictive value of 80%. In summary, the available evidence is currently insufficient to determine the role of this variant in disease. Therefore, it has been classified as a Variant of Uncertain Significance.